The following is an entry in ClinVar:

NM_138775.3(ALKBH8):c.1932T>C (p.Asp644=)

Gene: ALKBH8 (alkB homolog 8, tRNA methyltransferase; minus strand). Cytogenetic location: 11q22.3.
Variant type: single nucleotide variant.
Coding change: c.1932T>C on transcript NM_138775.3 (MANE Select); coding-DNA position 1932, T replaced by C.
Protein change: p.Asp644=; no amino-acid change (aspartic acid 644 retained).
Molecular consequence: synonymous variant. On other transcripts: non-coding transcript variant (6).
Genome position (GRCh38, 1-based): chr11:107,504,721, A>G on the plus strand (T>C on the coding strand, the complement: ALKBH8 is on the minus strand). VCF-style: chr11-107504721-A-G. GRCh37 (hg19) VCF-style: chr11-107375447-A-G.
Other names: c.1932T>C, p.Asp644= (NM_001301010.3); c.1782T>C, p.Asp594= (NM_001378133.1).
Identifiers: ClinVar variation 4084495 (VCV004084495.8).

ClinVar aggregate classification (germline): Likely benign (1 of 4 stars; one submission).

gnomAD v4.1: 51 of 1,551,574 alleles (0.0033%); highest among the groups gnomAD compares: Non-Finnish European, 0.0041%; no homozygotes.

Submission:

CeGaT Center for Human Genetics Tuebingen
Classification: Likely benign. Last evaluated: 2025-08-01. Review status: criteria provided, single submitter. Criteria: CeGaT Center For Human Genetics Tuebingen Variant Classification Criteria Version 2. Collection method: clinical testing. Allele origin: germline. Affected: yes. Observed: 1 variant allele.
Comment: ALKBH8: BP4, BP7